The following is an entry in ClinVar:

ClinVar aggregate classification (germline): Likely benign (0 of 4 stars; one submission).

Conditions:
ISL1-related disorder. Also called: ISL1-related condition.

Allele frequency attached by ClinVar (database versions not stated): ExAC 0.00005; gnomAD 0.00005; TOPMed 0.00006; gnomAD exomes 0.00009; ESP Exome Variant Server 0.00025.

Submission:

PreventionGenetics, part of Exact Sciences
Classification: Likely benign for ISL1-related condition. Last evaluated: 2020-11-24. Review status: no assertion criteria provided. Collection method: clinical testing. Allele origin: germline.
Comment: This variant is classified as likely benign based on ACMG/AMP sequence variant interpretation guidelines (Richards et al. 2015 PMID: 25741868, with internal and published modifications).

NM_002202.3(ISL1):c.48A>G (p.Leu16=)

Gene: ISL1 (ISL LIM homeobox 1; plus strand). Cytogenetic location: 5q11.1.
Variant type: single nucleotide variant.
Coding change: c.48A>G on transcript NM_002202.3 (MANE Select); coding-DNA position 48, A replaced by G.
Protein change: p.Leu16=; no amino-acid change (leucine 16 retained).
Molecular consequence: synonymous variant.
Genome position (GRCh38, 1-based): chr5:51,384,560, A>G. VCF-style: chr5-51384560-A-G. GRCh37 (hg19) VCF-style: chr5-50680394-A-G.
Identifiers: ClinVar variation 3032368 (VCV003032368.2), dbSNP rs369145747, ClinGen allele CA3260891.